The following is an entry in ClinVar:

ClinVar aggregate classification (germline): Uncertain significance (1 of 4 stars; one submission).

Submission:

Ambry Genetics
Classification: Uncertain significance. Last evaluated: 2021-08-21. Review status: criteria provided, single submitter. Criteria: Ambry Variant Classification Scheme 2023. Collection method: clinical testing. Allele origin: germline.
Comment: The p.N219K variant (also known as c.657T>A), located in coding exon 3 of the ALPK2 gene, results from a T to A substitution at nucleotide position 657. The asparagine at codon 219 is replaced by lysine, an amino acid with similar properties. This amino acid position is conserved. In addition, this alteration is predicted to be tolerated by in silico analysis. Since supporting evidence is limited at this time, the clinical significance of this alteration remains unclear.

NM_052947.4(ALPK2):c.657T>A (p.Asn219Lys)

Gene: ALPK2 (alpha kinase 2; minus strand). Cytogenetic location: 18q21.31.
Variant type: single nucleotide variant.
Coding change: c.657T>A on transcript NM_052947.4 (MANE Select); coding-DNA position 657, T replaced by A.
Protein change: p.Asn219Lys; replaces asparagine 219 with lysine.
Molecular consequence: missense variant.
Genome position (GRCh38, 1-based): chr18:58,580,119, A>T on the plus strand (T>A on the coding strand, the complement: ALPK2 is on the minus strand). VCF-style: chr18-58580119-A-T. GRCh37 (hg19) VCF-style: chr18-56247351-A-T.
Other names: short protein forms N219K.
Identifiers: ClinVar variation 1754305 (VCV001754305.2), dbSNP rs2518900000, ClinGen allele CA402567504.
Genomic context (GRCh38, chr18:58,580,119, plus strand): 5'-TGCCATGGAATGCACTGTCTTGTGGCAACATCTGTCTTGTTTTTCATAAATATGACTTGA[A>T]TTAAGAAAAAGCAACCCATTTGCAATTTCTTCTGTGTTACTTGGATCATAAGCCTCTCCA-3'
Protein context (NP_443179.3, residues 209-229): EEIANGLLFL[Asn219Lys]SSHIYEKQDR